The following is an entry in ClinVar:

NM_199242.3(UNC13D):c.2173G>C (p.Glu725Gln)

Gene: UNC13D (unc-13 homolog D; minus strand). Cytogenetic location: 17q25.1.
Variant type: single nucleotide variant.
Coding change: c.2173G>C on transcript NM_199242.3 (MANE Select); coding-DNA position 2173, G replaced by C.
Protein change: p.Glu725Gln; replaces glutamic acid 725 with glutamine.
Molecular consequence: missense variant.
Genome position (GRCh38, 1-based): chr17:75,834,450, C>G on the plus strand (G>C on the coding strand, the complement: UNC13D is on the minus strand). VCF-style: chr17-75834450-C-G. GRCh37 (hg19) VCF-style: chr17-73830531-C-G.
Other names: short protein forms E725Q.
Identifiers: ClinVar variation 3977685 (VCV003977685.2).

ClinVar aggregate classification (germline): Uncertain significance. Review status: criteria provided, multiple submitters, no conflicts (2 of 4 stars). 2 submissions from 2 submitters: Uncertain significance (2). Last evaluated 2026-01-02.

Conditions:
Inborn genetic diseases. Identifiers: MedGen C0950123, MeSH D030342.
Familial hemophagocytic lymphohistiocytosis 3 (FHL3). Also called: UNC13D-Related Familial Hemophagocytic Lymphohistiocytosis (UNC13D-fHLH). Identifiers: Orphanet 540, MedGen C1837174, MONDO:0012146, OMIM 608898.

gnomAD v4.1: 12 of 1,563,976 alleles (0.00077%); highest among the groups gnomAD compares: Admixed American, 0.015%; no homozygotes.

Submissions (2):

Labcorp Genetics (formerly Invitae), Labcorp
Classification: Uncertain significance for Familial hemophagocytic lymphohistiocytosis 3. Last evaluated: 2026-01-02. Review status: criteria provided, single submitter. Criteria: Invitae Variant Classification Sherloc (09022015). Collection method: clinical testing. Allele origin: germline.
Comment: This sequence change replaces glutamic acid, which is acidic and polar, with glutamine, which is neutral and polar, at codon 725 of the UNC13D protein (p.Glu725Gln). This variant is not present in population databases (gnomAD no frequency). This variant has not been reported in the literature in individuals affected with UNC13D-related conditions. ClinVar contains an entry for this variant (Variation ID: 3977685). Invitae Evidence Modeling of protein sequence and biophysical properties (such as structural, functional, and spatial information, amino acid conservation, physicochemical variation, residue mobility, and thermodynamic stability) indicates that this missense variant is not expected to disrupt UNC13D protein function with a negative predictive value of 80%. In summary, the available evidence is currently insufficient to determine the role of this variant in disease. Therefore, it has been classified as a Variant of Uncertain Significance.

Ambry Genetics
Classification: Uncertain significance for Inborn genetic diseases. Last evaluated: 2025-04-14. Review status: criteria provided, single submitter. Criteria: Ambry Variant Classification Scheme 2023. Collection method: clinical testing. Allele origin: germline.